The following is an entry in ClinVar:

ClinVar aggregate classification (germline): Likely pathogenic (1 of 4 stars; one submission).

Conditions:
Telangiectasia, hereditary hemorrhagic, type 1 (HHT1). Also called: Osler Weber Rendu syndrome type 1; ENG-Related Hereditary Hemorrhagic Telangiectasia. Identifiers: Orphanet 774, MedGen C4551861, MONDO:0008535, OMIM 187300. Disease mechanism: loss of function.

Submission:

3billion
Classification: Likely pathogenic for Telangiectasia, hereditary hemorrhagic, type 1. Last evaluated: 2024-08-30. Review status: criteria provided, single submitter. Criteria: ACMG Guidelines, 2015. Collection method: clinical testing. Allele origin: germline. Affected: yes.
Comment: The variant is not observed in the gnomAD v4.0.0 dataset. Predicted Consequence/Location: The majority of the known disease-causing variants of this gene are variants expected to result in premature termination of the protein. Functional studies provide supporting evidence of the variant having a damaging effect on the gene or gene product (PMID: 11440987). In silico tool predictions suggest damaging effect of the variant on gene or gene product [REVEL: 0.69 (>=0.6, sensitivity 0.68 and specificity 0.92); 3Cnet: 0.69 (>=0.6, sensitivity 0.72 and precision 0.9)]. The same nucleotide change resulting in the same amino acid change has been previously reported to be associated with ENG-related disorder (PMID: 11440987).A different missense change at the same codon (p.Leu32His) has been reported as pathogenic/likely pathogenic with strong evidence (ClinVar ID: VCV001767532 /PMID: 25312062). Therefore, this variant is classified as Likely pathogenic according to the recommendation of ACMG/AMP guideline.

Literature cited by the submitters: PubMed 25312062; PubMed 11440987.

NM_001114753.3(ENG):c.95T>G (p.Leu32Arg)

Gene: ENG (endoglin; minus strand). Cytogenetic location: 9q34.11.
Variant type: single nucleotide variant.
Coding change: c.95T>G on transcript NM_001114753.3 (MANE Select); coding-DNA position 95, T replaced by G.
Protein change: p.Leu32Arg; replaces leucine 32 with arginine.
Molecular consequence: missense variant. On other transcripts: 5 prime UTR variant (1).
Genome position (GRCh38, 1-based): chr9:127,843,218, A>C on the plus strand (T>G on the coding strand, the complement: ENG is on the minus strand). VCF-style: chr9-127843218-A-C. GRCh37 (hg19) VCF-style: chr9-130605497-A-C.
Other names: c.95T>G, p.Leu32Arg (NM_000118.4, NM_001406715.1); c.-452T>G (NM_001278138.2); short protein forms L32R.
Identifiers: ClinVar variation 4293641 (VCV004293641.1).